The following is an entry in ClinVar:

ClinVar aggregate classification (germline): Likely pathogenic (1 of 4 stars; one submission).

Conditions:
Seizures, benign familial infantile, 3 (BFIS3). Also called: Familial neonatal seizures; CONVULSIONS, BENIGN FAMILIAL INFANTILE, 3. Identifiers: Orphanet 140927, Orphanet 306, MedGen C1843140, MONDO:0011904, OMIM 607745.
Developmental and epileptic encephalopathy, 11 (DEE11). Also called: Early infantile epileptic encephalopathy 11. Identifiers: Orphanet 1934, MedGen C3150987, MONDO:0013388, OMIM 613721.

Submission:

Labcorp Genetics (formerly Invitae), Labcorp
Classification: Likely pathogenic for Seizures, benign familial infantile, 3; Developmental and epileptic encephalopathy, 11. Last evaluated: 2021-10-06. Review status: criteria provided, single submitter. Criteria: Invitae Variant Classification Sherloc (09022015). Collection method: clinical testing. Allele origin: germline.
Comment: In summary, the currently available evidence indicates that the variant is pathogenic, but additional data are needed to prove that conclusively. Therefore, this variant has been classified as Likely Pathogenic. Algorithms developed to predict the effect of sequence changes on RNA splicing suggest that this variant may disrupt the consensus splice site. Disruption of this splice site has been observed in individual(s) with SCN1A-related conditions (Invitae). This variant is not present in population databases (ExAC no frequency). This sequence change affects an acceptor splice site in intron 21 of the SCN2A gene. It is expected to disrupt RNA splicing. Variants that disrupt the donor or acceptor splice site typically lead to a loss of protein function (PMID: 16199547), and loss-of-function variants in SCN2A are known to be pathogenic (PMID: 28379373).

Literature cited by the submitters: PubMed 16199547; PubMed 28379373.

NM_001040142.2(SCN2A):c.3973-2A>G

Gene: SCN2A (sodium voltage-gated channel alpha subunit 2; plus strand). Cytogenetic location: 2q24.3.
Variant type: single nucleotide variant.
Coding change: c.3973-2A>G on transcript NM_001040142.2 (MANE Select); the canonical splice acceptor site of the intron before coding-DNA position 3973, A replaced by G.
Molecular consequence: splice acceptor variant.
Genome position (GRCh38, 1-based): chr2:165,374,683, A>G. VCF-style: chr2-165374683-A-G. GRCh37 (hg19) VCF-style: chr2-166231193-A-G.
Other names: c.3973-2A>G (NM_001040143.2, NM_001371246.1, NM_001371247.1 and 1 more transcripts).
Identifiers: ClinVar variation 956502 (VCV000956502.8), dbSNP rs1701219319, ClinGen allele CA349030155.